The following is an entry in ClinVar:

NM_000059.4(BRCA2):c.5490C>G (p.Ser1830=)

Gene: BRCA2 (BRCA2 DNA repair associated; plus strand). Cytogenetic location: 13q13.1.
Variant type: single nucleotide variant.
Coding change: c.5490C>G on transcript NM_000059.4 (MANE Select); coding-DNA position 5490, C replaced by G.
Protein change: p.Ser1830=; no amino-acid change (serine 1830 retained).
Molecular consequence: synonymous variant.
Genome position (GRCh38, 1-based): chr13:32,339,845, C>G. VCF-style: chr13-32339845-C-G. GRCh37 (hg19) VCF-style: chr13-32913982-C-G.
Identifiers: ClinVar variation 512482 (VCV000512482.1), dbSNP rs786201459, ClinGen allele CA483438489.
Genomic context (GRCh38, chr13:32,339,845, plus strand): 5'-TGAGGAACTTGTGACTAGCTCTTCACCCTGCAAAAATAAAAATGCAGCCATTAAATTGTC[C>G]ATATCTAATAGTAATAATTTTGAGGTAGGGCCACCTGCATTTAGGATAGCCAGTGGTAAA-3'
Protein context (NP_000050.3, residues 1820-1840): CKNKNAAIKL[Ser1830=]ISNSNNFEVG

ClinVar aggregate classification (germline): Likely benign (1 of 4 stars; one submission).

gnomAD v4.1: 1 of 1,613,760 alleles (0.000062%); highest among the groups gnomAD compares: East Asian, 0.0022%; no homozygotes.

Submission:

GeneDx
Classification: Likely benign. Last evaluated: 2017-10-04. Review status: criteria provided, single submitter. Criteria: GeneDx Variant Classification (06012015). Collection method: clinical testing. Allele origin: germline. Affected: yes.
Comment: This variant is considered likely benign or benign based on one or more of the following criteria: it is a conservative change, it occurs at a poorly conserved position in the protein, it is predicted to be benign by multiple in silico algorithms, and/or has population frequency not consistent with disease.